The following is an entry in ClinVar:

ClinVar aggregate classification (germline): Uncertain significance. Review status: criteria provided, multiple submitters, no conflicts (2 of 4 stars). 3 submissions from 3 submitters: Uncertain significance (3). Last evaluated 2025-11-26.

Conditions:
Progressive sclerosing poliodystrophy (MTDPS4A). Also called: Mitochondrial DNA depletion syndrome 4A (Alpers type); Alpers Syndrome; ALPERS DIFFUSE DEGENERATION OF CEREBRAL GRAY MATTER WITH HEPATIC CIRRHOSIS; Mitochondrial DNA Depletion Syndrome 4A; Alpers-Huttenlocher Syndrome (AHS); ALPERS PROGRESSIVE INFANTILE POLIODYSTROPHY. Identifiers: Orphanet 726, MedGen C0205710, MONDO:0008758, OMIM 203700.

Allele frequency attached by ClinVar (database versions not stated): gnomAD 0.00001; gnomAD exomes 0.00001 and 0.00002; TOPMed 0.00001; ExAC 0.00002.
gnomAD v4.1: 8 of 1,614,050 alleles (0.0005%); highest among the groups gnomAD compares: Admixed American, 0.013%; no homozygotes.

Submissions (3):

GeneDx
Classification: Uncertain significance. Last evaluated: 2025-11-26. Review status: criteria provided, single submitter. Criteria: GeneDx Variant Classification Process June 2021. Collection method: clinical testing. Allele origin: germline. Affected: yes.
Comment: Not observed at significant frequency in large population cohorts (gnomAD); In silico analysis suggests that this missense variant does not alter protein structure/function; Has not been previously published as pathogenic or benign to our knowledge

Labcorp Genetics (formerly Invitae), Labcorp
Classification: Uncertain significance for Progressive sclerosing poliodystrophy. Last evaluated: 2025-07-06. Review status: criteria provided, single submitter. Criteria: Invitae Variant Classification Sherloc (09022015). Collection method: clinical testing. Allele origin: germline.
Comment: This sequence change replaces arginine, which is basic and polar, with glycine, which is neutral and non-polar, at codon 1014 of the POLG protein (p.Arg1014Gly). This variant is present in population databases (rs764195223, gnomAD 0.01%). This variant has not been reported in the literature in individuals affected with POLG-related conditions. ClinVar contains an entry for this variant (Variation ID: 430472). Invitae Evidence Modeling of protein sequence and biophysical properties (such as structural, functional, and spatial information, amino acid conservation, physicochemical variation, residue mobility, and thermodynamic stability) indicates that this missense variant is not expected to disrupt POLG protein function with a negative predictive value of 95%. In summary, the available evidence is currently insufficient to determine the role of this variant in disease. Therefore, it has been classified as a Variant of Uncertain Significance.

Wong Mito Lab, Molecular and Human Genetics, Baylor College of Medicine
Classification: Uncertain significance for Progressive sclerosing poliodystrophy. Last evaluated: 2018-10-01. Review status: criteria provided, single submitter. Criteria: ACMG Guidelines, 2015. Collection method: clinical testing. Allele origin: germline.
Comment: The NM_002693.2:c.3040A>G (NP_002684.1:p.Arg1014Gly) [GRCH38: NC_000015.10:g.89319292T>C] variant in POLG gene is interpretated to be a Uncertain Significance based on ACMG guidelines (PMID: 25741868). This variant meets the following evidence codes reported in the ACMG-guideline. PM2:This variant is absent in key population databases. PP3:Computational evidence/predictors indicate the variant has deleterious effect on POLG structure, function, or protein-protein interaction. Based on the evidence criteria codes applied, the variant is suggested to be Uncertain Significance.

NM_002693.3(POLG):c.3040A>G (p.Arg1014Gly)

Gene: POLG (DNA polymerase gamma, catalytic subunit; minus strand). Cytogenetic location: 15q26.1.
Variant type: single nucleotide variant.
Coding change: c.3040A>G on transcript NM_002693.3 (MANE Select); coding-DNA position 3040, A replaced by G.
Protein change: p.Arg1014Gly; replaces arginine 1014 with glycine.
Molecular consequence: missense variant.
Genome position (GRCh38, 1-based): chr15:89,319,292, T>C on the plus strand (A>G on the coding strand, the complement: POLG is on the minus strand). VCF-style: chr15-89319292-T-C. GRCh37 (hg19) VCF-style: chr15-89862523-T-C.
Other names: c.3040A>G, p.Arg1014Gly (NM_001126131.2); short protein forms R1014G.
Identifiers: ClinVar variation 430472 (VCV000430472.10), dbSNP rs764195223, ClinGen allele CA7724264.